The following is an entry in ClinVar:

NM_183050.4(BCKDHB):c.496A>T (p.Lys166Ter)

Gene: BCKDHB (branched chain keto acid dehydrogenase E1 subunit beta; plus strand). Cytogenetic location: 6q14.1.
Variant type: single nucleotide variant.
Coding change: c.496A>T on transcript NM_183050.4 (MANE Select); coding-DNA position 496, A replaced by T.
Protein change: p.Lys166Ter; replaces lysine 166 with a stop codon.
Molecular consequence: nonsense. On other transcripts: non-coding transcript variant (1).
Genome position (GRCh38, 1-based): chr6:80,168,893, A>T. VCF-style: chr6-80168893-A-T. GRCh37 (hg19) VCF-style: chr6-80878610-A-T.
Other names: c.496A>T, p.Lys166Ter (NM_000056.5); c.286A>T, p.Lys96Ter (NM_001318975.1); c.496A>T (NM_000056.4, NM_183050.3); short protein forms K96*, K166*.
Identifiers: ClinVar variation 935244 (VCV000935244.16), dbSNP rs1772735425, ClinGen allele CA364657727.

ClinVar aggregate classification (germline): Pathogenic/Likely pathogenic. Review status: criteria provided, multiple submitters, no conflicts (2 of 4 stars). 5 submissions from 5 submitters: Pathogenic (3); Likely pathogenic (2). Last evaluated 2023-08-02.

Conditions:
Maple syrup urine disease (MSUD). Identifiers: Orphanet 511, MedGen C0024776, MeSH D008375, MONDO:0009563. Disease mechanism: loss of function.

Submissions (5):

Baylor Genetics
Classification: Pathogenic for Maple syrup urine disease type 1A. Last evaluated: 2023-08-02. Review status: criteria provided, single submitter. Criteria: ACMG Guidelines, 2015. Collection method: clinical testing. Allele origin: unknown.

Labcorp Genetics (formerly Invitae), Labcorp
Classification: Pathogenic for Maple syrup urine disease. Last evaluated: 2023-06-14. Review status: criteria provided, single submitter. Criteria: Invitae Variant Classification Sherloc (09022015). Collection method: clinical testing. Allele origin: germline.
Comment: For these reasons, this variant has been classified as Pathogenic. ClinVar contains an entry for this variant (Variation ID: 935244). This variant has not been reported in the literature in individuals affected with BCKDHB-related conditions. This variant is not present in population databases (gnomAD no frequency). This sequence change creates a premature translational stop signal (p.Lys166*) in the BCKDHB gene. It is expected to result in an absent or disrupted protein product. Loss-of-function variants in BCKDHB are known to be pathogenic (PMID: 16786533, 22593002).

Genome-Nilou Lab
Classification: Pathogenic for Maple syrup urine disease type 1A. Last evaluated: 2021-11-07. Review status: criteria provided, single submitter. Criteria: ACMG Guidelines, 2015. Collection method: clinical testing. Allele origin: germline. Affected: no.

Myriad Genetics, Inc.
Classification: Likely pathogenic for Maple syrup urine disease type 1A. Last evaluated: 2020-01-24. Review status: criteria provided, single submitter. Criteria: Myriad Women's Health Autosomal Recessive and X-Linked Classification Criteria (2019). Collection method: clinical testing. Allele origin: unknown.
Comment: NM_183050.2(BCKDHB):c.496A>T(K166*) is expected to be pathogenic in the context of maple syrup urine disease type Ib. This variant is predicted to lead to an abnormal or absent protein product due to the creation of a premature termination codon in BCKDHB, a gene where loss-of-function variants are known to be pathogenic. Please note: this variant was assessed in the context of healthy population screening.

GeneID Lab - Advanced Molecular Diagnostics
Classification: Likely pathogenic for Maple syrup urine disease. Last evaluated: 2019-05-29. Review status: criteria provided, single submitter. Criteria: ACMG Guidelines, 2015. Collection method: clinical testing. Allele origin: germline. Observed: 1 variant allele.
Comment: This variant creates a premature translational stop signal referred as p.Lys166Ter (K166*) in the BCKDHB gene. It is expected to result in an absent or disrupted protein product. This variant is not present in the gnomAD exomes database. Loss-of-function variants in BCKDHB are known to be pathogenic (PMID: 16786533, 22593002). For these reasons, we consider this finding as a "likely pathogenic variant" related to Maple Syrup Urine Disease.

Literature cited by the submitters: PubMed 16786533 (cited by Labcorp Genetics (formerly Invitae), Labcorp and GeneID Lab - Advanced Molecular Diagnostics); PubMed 22593002 (cited by Labcorp Genetics (formerly Invitae), Labcorp and GeneID Lab - Advanced Molecular Diagnostics).